The following is an entry in ClinVar:

NM_003183.6(ADAM17):c.1994-22A>C

Genes: ADAM17 (ADAM metallopeptidase domain 17; minus strand), IAH1 (isoamyl acetate hydrolyzing esterase 1 (putative); plus strand). Cytogenetic location: 2p25.1.
Variant type: single nucleotide variant.
Coding change: c.1994-22A>C on transcript NM_003183.6 (MANE Select); 22 bases into the intron before coding-DNA position 1994, A replaced by C.
Molecular consequence: intron variant.
Genome position (GRCh38, 1-based): chr2:9,493,008, T>G on the plus strand (A>C on the coding strand, the complement: ADAM17 is on the minus strand). VCF-style: chr2-9493008-T-G. GRCh37 (hg19) VCF-style: chr2-9633137-T-G.
Other names: c.1334-22A>C (NM_001382777.1); c.1097-22A>C (NM_001382778.1).
Identifiers: ClinVar variation 1188898 (VCV001188898.7), dbSNP rs4622692, ClinGen allele CA1523355.

ClinVar aggregate classification (germline): Benign. Review status: criteria provided, multiple submitters, no conflicts (2 of 4 stars). 4 submissions from 4 submitters: Benign (4). Last evaluated 2023-11-12.

Conditions:
Inflammatory skin and bowel disease, neonatal, 1. Identifiers: Orphanet 294023, MedGen C3280501, MONDO:0013693, OMIM 614328.

Allele frequency attached by ClinVar (database versions not stated): 1000 Genomes Project 0.46166; 1000 Genomes Project 30x 0.47220; gnomAD exomes 0.50278 and 0.56552; ExAC 0.54669; gnomAD 0.58096 and 0.59579; TOPMed 0.58340; ESP Exome Variant Server 0.64442.
gnomAD v4.1: 898,540 of 1,583,820 alleles (57%); highest among the groups gnomAD compares: African/African-American, 71%; 265,421 homozygotes.

Submissions (4):

Unidad de Genómica Garrahan, Hospital de Pediatría Garrahan
Classification: Benign. Last evaluated: 2023-11-12. Review status: criteria provided, single submitter. Criteria: ACMG Guidelines, 2015. Collection method: clinical testing. Allele origin: germline. Affected: no. Observed: 62 variant alleles.
Comment: This variant is classified as Benign based on local population frequency. This variant was detected in 65% of patients studied by a panel of primary immunodeficiencies. Number of patients: 62. Only high quality variants are reported.

Genome-Nilou Lab
Classification: Benign for Inflammatory skin and bowel disease, neonatal, 1. Last evaluated: 2021-07-14. Review status: criteria provided, single submitter. Criteria: ACMG Guidelines, 2015. Collection method: clinical testing. Allele origin: germline. Affected: no.

GeneDx
Classification: Benign. Last evaluated: 2018-11-10. Review status: criteria provided, single submitter. Criteria: GeneDx Variant Classification Process June 2021. Collection method: clinical testing. Allele origin: germline. Affected: yes.

Breakthrough Genomics
Classification: Benign. Review status: criteria provided, single submitter. Criteria: ACMG Guidelines, 2015. Collection method: not provided. Allele origin: germline. Inheritance: Autosomal recessive inheritance. Affected: yes.